The following is an entry in ClinVar:

ClinVar aggregate classification (germline): Benign (0 of 4 stars; one submission).

Conditions:
CDH19-related disorder. Also called: CDH19-related condition.

Allele frequency attached by ClinVar (database versions not stated): gnomAD exomes 0.00077; ExAC 0.00281; gnomAD 0.00806; 1000 Genomes Project 0.00899; TOPMed 0.00910; 1000 Genomes Project 30x 0.00937; ESP Exome Variant Server 0.01107.
gnomAD v4.1: 2,427 of 1,611,752 alleles (0.15%); highest among the groups gnomAD compares: African/African-American, 2.7%; 18 homozygotes.

Submission:

PreventionGenetics, part of Exact Sciences
Classification: Benign for CDH19-related condition. Last evaluated: 2019-04-24. Review status: no assertion criteria provided. Collection method: clinical testing. Allele origin: germline.
Comment: This variant is classified as benign based on ACMG/AMP sequence variant interpretation guidelines (Richards et al. 2015 PMID: 25741868, with internal and published modifications).

NM_021153.4(CDH19):c.564C>T (p.Tyr188=)

Gene: CDH19 (cadherin 19; minus strand). Cytogenetic location: 18q22.1.
Variant type: single nucleotide variant.
Coding change: c.564C>T on transcript NM_021153.4 (MANE Select); coding-DNA position 564, C replaced by T.
Protein change: p.Tyr188=; no amino-acid change (tyrosine 188 retained).
Molecular consequence: synonymous variant. On other transcripts: non-coding transcript variant (1).
Genome position (GRCh38, 1-based): chr18:66,554,451, G>A on the plus strand (C>T on the coding strand, the complement: CDH19 is on the minus strand). VCF-style: chr18-66554451-G-A. GRCh37 (hg19) VCF-style: chr18-64221688-G-A.
Other names: c.564C>T, p.Tyr188= (NM_001271028.2).
Identifiers: ClinVar variation 3044001 (VCV003044001.2), dbSNP rs112649233, ClinGen allele CA8992144.